The following is an entry in ClinVar:

ClinVar aggregate classification (germline): Benign. Review status: criteria provided, multiple submitters, no conflicts (2 of 4 stars). 2 submissions from 2 submitters: Benign (2). Last evaluated 2016-03-28.

Allele frequency attached by ClinVar (database versions not stated): ESP Exome Variant Server 0.29413; gnomAD 0.30215 and 0.30969; TOPMed 0.30282; 1000 Genomes Project 30x 0.33495; 1000 Genomes Project 0.33846; gnomAD exomes 0.38867; ExAC 0.39352.
gnomAD v4.1: 497,519 of 1,393,896 alleles (36%); highest among the groups gnomAD compares: East Asian, 47%; 91,842 homozygotes.

Submissions (12):

Laboratory for Molecular Medicine, Mass General Brigham Personalized Medicine
Classification: Benign. Last evaluated: 2016-03-28. Review status: criteria provided, single submitter. Criteria: LMM Criteria. Collection method: clinical testing. Allele origin: germline.
Comment: Variant identified in a genome or exome case(s) and assessed due to predicted null impact of the variant or pathogenic assertions in the literature or databases. Disclaimer: This variant has not undergone full assessment. The following are preliminary notes: Frequency

Breakthrough Genomics
Classification: Benign. Review status: criteria provided, single submitter. Criteria: ACMG Guidelines, 2015. Collection method: not provided. Allele origin: germline. Inheritance: Unknown mechanism. Affected: yes.

Dr. Peter K. Rogan Lab, Western University
No classification provided (evidence only). Condition: Hepatocellular carcinoma. Review status: no classification provided. Collection method: in vitro. Allele origin: not applicable. Functional consequence: retained intron. Not counted in ClinVar's aggregate classification.

Dr. Peter K. Rogan Lab, Western University
No classification provided (evidence only). Condition: Ovarian serous cystadenocarcinoma. Review status: no classification provided. Collection method: in vitro. Allele origin: not applicable. Functional consequence: retained intron. Not counted in ClinVar's aggregate classification.

Dr. Peter K. Rogan Lab, Western University
No classification provided (evidence only). Condition: Ovarian serous cystadenocarcinoma. Review status: no classification provided. Collection method: in vitro. Allele origin: not applicable. Functional consequence: retained intron. Not counted in ClinVar's aggregate classification.

Dr. Peter K. Rogan Lab, Western University
No classification provided (evidence only). Condition: Ovarian serous cystadenocarcinoma. Review status: no classification provided. Collection method: in vitro. Allele origin: not applicable. Functional consequence: retained intron. Not counted in ClinVar's aggregate classification.

Dr. Peter K. Rogan Lab, Western University
No classification provided (evidence only). Condition: Ovarian serous cystadenocarcinoma. Review status: no classification provided. Collection method: in vitro. Allele origin: not applicable. Functional consequence: retained intron. Not counted in ClinVar's aggregate classification.

Dr. Peter K. Rogan Lab, Western University
No classification provided (evidence only). Condition: Ovarian serous cystadenocarcinoma. Review status: no classification provided. Collection method: in vitro. Allele origin: not applicable. Functional consequence: retained intron. Not counted in ClinVar's aggregate classification.

Dr. Peter K. Rogan Lab, Western University
No classification provided (evidence only). Condition: Ovarian serous cystadenocarcinoma. Review status: no classification provided. Collection method: in vitro. Allele origin: not applicable. Functional consequence: retained intron. Not counted in ClinVar's aggregate classification.

Dr. Peter K. Rogan Lab, Western University
No classification provided (evidence only). Condition: Ovarian serous cystadenocarcinoma. Review status: no classification provided. Collection method: in vitro. Allele origin: not applicable. Functional consequence: retained intron. Not counted in ClinVar's aggregate classification.

Dr. Peter K. Rogan Lab, Western University
No classification provided (evidence only). Condition: Gastric cancer. Review status: no classification provided. Collection method: in vitro. Allele origin: not applicable. Functional consequence: retained intron. Not counted in ClinVar's aggregate classification.

Dr. Peter K. Rogan Lab, Western University
No classification provided (evidence only). Condition: Uterine carcinosarcoma. Review status: no classification provided. Collection method: in vitro. Allele origin: not applicable. Functional consequence: retained intron. Not counted in ClinVar's aggregate classification.

NM_001367479.1(DNAH14):c.8469+9T>G

Gene: DNAH14 (dynein axonemal heavy chain 14; plus strand). Cytogenetic location: 1q42.12.
Variant type: single nucleotide variant.
Coding change: c.8469+9T>G on transcript NM_001367479.1 (MANE Select); 9 bases into the intron after coding-DNA position 8469, T replaced by G.
Molecular consequence: intron variant.
Genome position (GRCh38, 1-based): chr1:225,290,091, T>G. VCF-style: chr1-225290091-T-G. GRCh37 (hg19) VCF-style: chr1-225477793-T-G.
Identifiers: ClinVar variation 402654 (VCV000402654.6), dbSNP rs12042900, ClinGen allele CA1416429.